The following is an entry in ClinVar:

NM_000113.3(TOR1A):c.949A>G (p.Lys317Glu)

Gene: TOR1A (torsin family 1 member A; minus strand). Cytogenetic location: 9q34.11.
Variant type: single nucleotide variant.
Coding change: c.949A>G on transcript NM_000113.3 (MANE Select); coding-DNA position 949, A replaced by G.
Protein change: p.Lys317Glu; replaces lysine 317 with glutamic acid.
Molecular consequence: missense variant.
Genome position (GRCh38, 1-based): chr9:129,814,022, T>C on the plus strand (A>G on the coding strand, the complement: TOR1A is on the minus strand). VCF-style: chr9-129814022-T-C. GRCh37 (hg19) VCF-style: chr9-132576301-T-C.
Other names: short protein forms K317E.
Identifiers: ClinVar variation 576253 (VCV000576253.8), dbSNP rs1564181992, ClinGen allele CA375197448.

ClinVar aggregate classification (germline): Uncertain significance (1 of 4 stars; one submission).

Conditions:
Dystonic disorder. Also called: Dystonia. Identifiers: MedGen C0013421, MONDO:0003441, HP:0001332.

Submission:

Labcorp Genetics (formerly Invitae), Labcorp
Classification: Uncertain significance for Dystonic disorder. Last evaluated: 2018-02-17. Review status: criteria provided, single submitter. Criteria: Invitae Variant Classification Sherloc (09022015). Collection method: clinical testing. Allele origin: germline.
Comment: This sequence change replaces lysine with glutamic acid at codon 317 of the TOR1A protein (p.Lys317Glu). The lysine residue is moderately conserved and there is a small physicochemical difference between lysine and glutamic acid. This variant is not present in population databases (ExAC no frequency). This variant has not been reported in the literature in individuals with TOR1A-related disease. Algorithms developed to predict the effect of missense changes on protein structure and function do not agree on the potential impact of this missense change (SIFT: "Tolerated"; PolyPhen-2: "Probably Damaging"; Align-GVGD: "Class C0"). In summary, the available evidence is currently insufficient to determine the role of this variant in disease. Therefore, it has been classified as a Variant of Uncertain Significance.